The following is an entry in ClinVar:

ClinVar aggregate classification (germline): Uncertain significance. Review status: criteria provided, multiple submitters, no conflicts (2 of 4 stars). 2 submissions from 2 submitters: Uncertain significance (2). Last evaluated 2025-03-14.

Allele frequency attached by ClinVar (database versions not stated): gnomAD exomes 0.00001; TOPMed 0.00006; gnomAD 0.00003; ExAC 0.00004.
gnomAD v4.1: 34 of 1,613,836 alleles (0.0021%); highest among the groups gnomAD compares: Admixed American, 0.022%; no homozygotes.

Submissions (2):

Dasa
Classification: Uncertain significance. Last evaluated: 2025-03-14. Review status: criteria provided, single submitter. Criteria: DASA Assertion Criteria. Collection method: clinical testing. Allele origin: germline.
Comment: NM_001388303.1(HECTD4):c.4990G>A (p.Glu1664Lys) is a missense variant that results in the substitution of glutamic acid with lysine. This variant is rare in population databases. Computational prediction algorithms are consistent with a benign effect. The currently available literature and clinical evidence are not sufficient to establish a definitive association between this variant and the reported condition. Therefore, this variant is classified as a variant of uncertain significance.

Ambry Genetics
Classification: Uncertain significance. Last evaluated: 2023-03-01. Review status: criteria provided, single submitter. Criteria: Ambry Variant Classification Scheme 2023. Collection method: clinical testing. Allele origin: germline.

NM_001388303.1(HECTD4):c.4990G>A (p.Glu1664Lys)

Gene: HECTD4 (HECT domain E3 ubiquitin protein ligase 4; minus strand). Cytogenetic location: 12q24.13.
Variant type: single nucleotide variant.
Coding change: c.4990G>A on transcript NM_001388303.1 (MANE Select); coding-DNA position 4990, G replaced by A.
Protein change: p.Glu1664Lys; replaces glutamic acid 1664 with lysine.
Molecular consequence: missense variant.
Genome position (GRCh38, 1-based): chr12:112,239,996, C>T on the plus strand (G>A on the coding strand, the complement: HECTD4 is on the minus strand). VCF-style: chr12-112239996-C-T. GRCh37 (hg19) VCF-style: chr12-112677800-C-T.
Other names: c.5020G>A, p.Glu1674Lys (NM_001109662.4); short protein forms E1674K, E1664K.
Identifiers: ClinVar variation 2464776 (VCV002464776.4), dbSNP rs776875006, ClinGen allele CA6797343.